The following is an entry in ClinVar:

NM_004187.5(KDM5C):c.1481T>C (p.Ile494Thr)

Gene: KDM5C (lysine demethylase 5C; minus strand). Cytogenetic location: Xp11.22.
Variant type: single nucleotide variant.
Coding change: c.1481T>C on transcript NM_004187.5 (MANE Select); coding-DNA position 1481, T replaced by C.
Protein change: p.Ile494Thr; replaces isoleucine 494 with threonine.
Molecular consequence: missense variant. On other transcripts: non-coding transcript variant (3).
Genome position (GRCh38, 1-based): chrX:53,210,778, A>G on the plus strand (T>C on the coding strand, the complement: KDM5C is on the minus strand). VCF-style: chrX-53210778-A-G. GRCh37 (hg19) VCF-style: chrX-53239960-A-G.
Other names: c.1280T>C, p.Ile427Thr (NM_001146702.2); c.1478T>C, p.Ile493Thr (NM_001282622.3, NM_001353979.2, NM_001353982.2); c.1481T>C, p.Ile494Thr (NM_001353978.3, NM_001353981.2, NM_001353984.2); short protein forms I427T, I493T, I494T.
Identifiers: ClinVar variation 4072417 (VCV004072417.2).

ClinVar aggregate classification (germline): Uncertain significance (1 of 4 stars; one submission).

Conditions:
Intellectual developmental disorder, X-linked, syndromic, Claes-Jensen type. Also called: Syndromic X-linked intellectual disability Claes-Jensen type; INTELLECTUAL DEVELOPMENTAL DISORDER, X-LINKED, SYNDROMIC 16; MENTAL RETARDATION, X-LINKED, SYNDROMIC 16. Identifiers: Orphanet 85279, MedGen C1845243, MONDO:0010355, OMIM 300534.

Submission:

Juno Genomics, Hangzhou Juno Genomics, Inc
Classification: Uncertain significance for Intellectual developmental disorder, X-linked, syndromic, Claes-Jensen type. Review status: criteria provided, single submitter. Criteria: ACMG Guidelines, 2015. Collection method: clinical testing. Allele origin: germline. Affected: yes.
Comment: Absent from controls (or at extremely low frequency if recessive) in Genome Aggregation Database, Exome Sequencing Project, 1000 Genomes Project, or Exome Aggregation Consortium.;Multiple lines of computational evidence support a deleterious effect on the gene or gene product (conservation, evolutionary, splicing impact, etc).;Patient's phenotype or family history is highly specific for a disease with a single genetic etiology.